The following is an entry in ClinVar:

ClinVar aggregate classification (germline): Benign/Likely benign. Review status: criteria provided, multiple submitters, no conflicts (2 of 4 stars). 6 submissions from 6 submitters: Benign (1); Likely benign (4). 1 of the submissions does not count toward it. Last evaluated 2026-09-01.

Conditions:
GGCX-related disorder. Also called: GGCX - Related Disorders; GGCX-related condition.
Vitamin K-dependent clotting factors, combined deficiency of, type 1. Also called: FACTORS II, VII, IX, AND X, COMBINED DEFICIENCY OF; FAMILIAL MULTIPLE COAGULATION FACTOR DEFICIENCY III; FMFD III; GLUTAMIC ACID, DEFICIENT GAMMA-CARBOXYLATION OF; MULTIPLE COAGULATION FACTOR DEFICIENCY III; VITAMIN K-DEPENDENT COAGULATION DEFECT. Identifiers: Orphanet 98434, MedGen C1848534, MONDO:0010187, OMIM 277450.

Allele frequency attached by ClinVar (database versions not stated): 1000 Genomes Project 30x 0.00125; 1000 Genomes Project 0.00140; ExAC 0.00233; gnomAD exomes 0.00246 and 0.00430; TOPMed 0.00262; gnomAD 0.00266 and 0.00271; ESP Exome Variant Server 0.00384.
gnomAD v4.1: 6,593 of 1,612,906 alleles (0.41%); highest among the groups gnomAD compares: Non-Finnish European, 0.52%; 20 homozygotes.

Submissions (6):

CeGaT Center for Human Genetics Tuebingen
Classification: Likely benign. Last evaluated: 2026-09-01. Review status: criteria provided, single submitter. Criteria: CeGaT Center For Human Genetics Tuebingen Variant Classification Criteria Version 2. Collection method: clinical testing. Allele origin: germline. Affected: yes. Observed: 3 variant alleles.
Comment: GGCX: BP4, BP7, BS2

Labcorp Genetics (formerly Invitae), Labcorp
Classification: Benign. Last evaluated: 2026-02-01. Review status: criteria provided, single submitter. Criteria: Invitae Variant Classification Sherloc (09022015). Collection method: clinical testing. Allele origin: germline.

Blueprint Genetics
Classification: Likely benign. Last evaluated: 2024-11-13. Review status: criteria provided, single submitter. Criteria: ACMG Guidelines, 2015. Collection method: clinical testing. Allele origin: germline.

Illumina Laboratory Services, Illumina
Classification: Likely benign for Vitamin K-dependent clotting factors, combined deficiency of, type 1. Last evaluated: 2018-01-13. Review status: criteria provided, single submitter. Criteria: ICSL Variant Classification Criteria 13 December 2019. Collection method: clinical testing. Allele origin: germline.
Comment: This variant was observed in the ICSL laboratory as part of a predisposition screen in an ostensibly healthy population. It had not been previously curated by ICSL or reported in the Human Gene Mutation Database (HGMD: prior to June 1st, 2018), and was therefore a candidate for classification through an automated scoring system. Utilizing variant allele frequency, disease prevalence and penetrance estimates, and inheritance mode, an automated score was calculated to assess if this variant is too frequent to cause the disease. Based on the score and internal cut-off values, a variant classified as likely benign is not then subjected to further curation. The score for this variant resulted in a classification of likely benign for this disease.

Breakthrough Genomics
Classification: Likely benign. Review status: criteria provided, single submitter. Criteria: ACMG Guidelines, 2015. Collection method: not provided. Allele origin: germline. Inheritance: Autosomal recessive inheritance. Affected: yes.

PreventionGenetics, part of Exact Sciences
Classification: Likely benign for GGCX-related condition. Last evaluated: 2019-03-13. Review status: no assertion criteria provided. Collection method: clinical testing. Allele origin: germline. Not counted in ClinVar's aggregate classification.
Comment: This variant is classified as likely benign based on ACMG/AMP sequence variant interpretation guidelines (Richards et al. 2015 PMID: 25741868, with internal and published modifications).

NM_000821.7(GGCX):c.582C>T (p.His194=)

Gene: GGCX (gamma-glutamyl carboxylase; minus strand). Cytogenetic location: 2p11.2.
Variant type: single nucleotide variant.
Coding change: c.582C>T on transcript NM_000821.7 (MANE Select); coding-DNA position 582, C replaced by T.
Protein change: p.His194=; no amino-acid change (histidine 194 retained).
Molecular consequence: synonymous variant.
Genome position (GRCh38, 1-based): chr2:85,556,218, G>A on the plus strand (C>T on the coding strand, the complement: GGCX is on the minus strand). VCF-style: chr2-85556218-G-A. GRCh37 (hg19) VCF-style: chr2-85783341-G-A.
Other names: c.411C>T, p.His137= (NM_001142269.4).
Identifiers: ClinVar variation 773484 (VCV000773484.46), dbSNP rs76767923, ClinGen allele CA1742067.
Genomic context (GRCh38, chr2:85,556,218, plus strand): 5'-TCCCTCTGTCCTAAAATGCTGTACCTGGCCACGGAGCACTGCATAGTTCCAAAGGGGCAC[G>A]TGGGCATTCCTCCTATGGGCATTCAGCAGACCGTCCACAGACCTACACCGAGGGAGGTAA-3'
Protein context (NP_000812.2, residues 184-204): GLLNAHRRNA[His194=]VPLWNYAVLR